The following is an entry in ClinVar:

NM_017780.4(CHD7):c.7892G>A (p.Arg2631Gln)

Gene: CHD7 (chromodomain helicase DNA binding protein 7; plus strand). Cytogenetic location: 8q12.2.
Variant type: single nucleotide variant.
Coding change: c.7892G>A on transcript NM_017780.4 (MANE Select); coding-DNA position 7892, G replaced by A.
Protein change: p.Arg2631Gln; replaces arginine 2631 with glutamine.
Molecular consequence: missense variant.
Genome position (GRCh38, 1-based): chr8:60,862,257, G>A. VCF-style: chr8-60862257-G-A. GRCh37 (hg19) VCF-style: chr8-61774816-G-A.
Other names: c.1745G>A, p.Arg582Gln (NM_001316690.1); c.7892G>A (NM_017780.3); short protein forms R2631Q, R582Q.
Identifiers: ClinVar variation 2147570 (VCV002147570.6), dbSNP rs1327851196, ClinGen allele CA371305381.
Genomic context (GRCh38, chr8:60,862,257, plus strand): 5'-AGAATGCAGATGTGCTGTTTTCCTCATTTCAGAAACCGAAACAGAAACGACATAGATGTC[G>A]AAACCCTAATAAATTGGATATAAACACTTTGACAGGAGAAGAAAGGGTGCCTGTTGTCAA-3'
Protein context (NP_060250.2, residues 2621-2641): QKPKQKRHRC[Arg2631Gln]NPNKLDINTL

ClinVar aggregate classification (germline): Conflicting classifications of pathogenicity. Review status: criteria provided, conflicting classifications (1 of 4 stars). 3 submissions from 3 submitters: Uncertain significance (2); Likely benign (1). Last evaluated 2024-07-27.

Conditions:
CHD7-related disorder. Also called: CHD7-related condition.
Inborn genetic diseases. Identifiers: MedGen C0950123, MeSH D030342.
CHARGE syndrome (CHARGE). Also called: Hittner Hirsch Kreh syndrome; CHARGE ASSOCIATION--COLOBOMA, HEART ANOMALY, CHOANAL ATRESIA, RETARDATION, GENITAL AND EAR ANOMALIES; Coloboma, heart anomaly, choanal atresia, retardation, genital and ear anomalies; CHARGE association; Hall-Hittner syndrome. Identifiers: Orphanet 138, MedGen C0265354, MONDO:0008965.

Allele frequency attached by ClinVar (database versions not stated): gnomAD exomes below 0.00001; gnomAD 0.00002; TOPMed 0.00002.
gnomAD v4.1: 8 of 1,611,496 alleles (0.0005%); highest among the groups gnomAD compares: Admixed American, 0.005%; no homozygotes.

Submissions (3):

Labcorp Genetics (formerly Invitae), Labcorp
Classification: Likely benign for CHARGE syndrome. Last evaluated: 2024-07-27. Review status: criteria provided, single submitter. Criteria: Invitae Variant Classification Sherloc (09022015). Collection method: clinical testing. Allele origin: germline.

Ambry Genetics
Classification: Uncertain significance for Inborn genetic diseases. Last evaluated: 2023-11-29. Review status: criteria provided, single submitter. Criteria: Ambry Variant Classification Scheme 2023. Collection method: clinical testing. Allele origin: germline.

PreventionGenetics, part of Exact Sciences
Classification: Uncertain significance for CHD7-related condition. Last evaluated: 2023-02-14. Review status: criteria provided, single submitter. Criteria: ACMG Guidelines, 2015. Collection method: clinical testing. Allele origin: germline.
Comment: The CHD7 c.7892G>A variant is predicted to result in the amino acid substitution p.Arg2631Gln. To our knowledge, this variant has not been reported in the literature. This variant is reported in 0.0029% of alleles in individuals of Latino descent in gnomAD. At this time, the clinical significance of this variant is uncertain due to the absence of conclusive functional and genetic evidence.